The following is an entry in ClinVar:

NM_001367561.1(DOCK7):c.3899A>G (p.Gln1300Arg)

Gene: DOCK7 (dedicator of cytokinesis 7; minus strand). Cytogenetic location: 1p31.3.
Variant type: single nucleotide variant.
Coding change: c.3899A>G on transcript NM_001367561.1 (MANE Select); coding-DNA position 3899, A replaced by G.
Protein change: p.Gln1300Arg; replaces glutamine 1300 with arginine.
Molecular consequence: missense variant.
Genome position (GRCh38, 1-based): chr1:62,528,188, T>C on the plus strand (A>G on the coding strand, the complement: DOCK7 is on the minus strand). VCF-style: chr1-62528188-T-C. GRCh37 (hg19) VCF-style: chr1-62993859-T-C.
Other names: c.3899A>G, p.Gln1300Arg (NM_001271999.2, NM_001330614.2); c.3806A>G, p.Gln1269Arg (NM_001272000.2, NM_001272001.2, NM_033407.4); c.3806A>G (NM_033407.2); short protein forms Q1269R, Q1300R.
Identifiers: ClinVar variation 1046666 (VCV001046666.7), dbSNP rs1169756185, ClinGen allele CA340599659.

ClinVar aggregate classification (germline): Uncertain significance. Review status: criteria provided, multiple submitters, no conflicts (2 of 4 stars). 2 submissions from 2 submitters: Uncertain significance (2). Last evaluated 2025-05-05.

Conditions:
Developmental and epileptic encephalopathy, 23 (DEE23). Also called: Epileptic encephalopathy, early infantile, 23. Identifiers: Orphanet 411986, MedGen C4014492, MONDO:0014371, OMIM 615859.
Inborn genetic diseases. Identifiers: MedGen C0950123, MeSH D030342.

Allele frequency attached by ClinVar (database versions not stated): TOPMed below 0.00001; gnomAD 0.00001.
gnomAD v4.1: 1 of 1,613,524 alleles (0.000062%); highest among the groups gnomAD compares: Non-Finnish European, 0.000085%; no homozygotes.

Submissions (2):

Ambry Genetics
Classification: Uncertain significance for Inborn genetic diseases. Last evaluated: 2025-05-05. Review status: criteria provided, single submitter. Criteria: Ambry Variant Classification Scheme 2023. Collection method: clinical testing. Allele origin: germline.

Labcorp Genetics (formerly Invitae), Labcorp
Classification: Uncertain significance for Developmental and epileptic encephalopathy, 23. Last evaluated: 2021-09-01. Review status: criteria provided, single submitter. Criteria: Invitae Variant Classification Sherloc (09022015). Collection method: clinical testing. Allele origin: germline.
Comment: This sequence change replaces glutamine with arginine at codon 1300 of the DOCK7 protein (p.Gln1300Arg). The glutamine residue is moderately conserved and there is a small physicochemical difference between glutamine and arginine. This variant is not present in population databases (ExAC no frequency). This variant has not been reported in the literature in individuals affected with DOCK7-related conditions. Algorithms developed to predict the effect of missense changes on protein structure and function (SIFT, PolyPhen-2, Align-GVGD) all suggest that this variant is likely to be tolerated. In summary, the available evidence is currently insufficient to determine the role of this variant in disease. Therefore, it has been classified as a Variant of Uncertain Significance.